The following is an entry in ClinVar:

NM_015178.3(RHOBTB2):c.706C>G (p.Pro236Ala)

Gene: RHOBTB2 (Rho related BTB domain containing 2; plus strand). Cytogenetic location: 8p21.3.
Variant type: single nucleotide variant.
Coding change: c.706C>G on transcript NM_015178.3 (MANE Select); coding-DNA position 706, C replaced by G.
Protein change: p.Pro236Ala; replaces proline 236 with alanine.
Molecular consequence: missense variant.
Genome position (GRCh38, 1-based): chr8:23,006,951, C>G. VCF-style: chr8-23006951-C-G. GRCh37 (hg19) VCF-style: chr8-22864464-C-G.
Other names: c.772C>G, p.Pro258Ala (NM_001160036.2); c.727C>G, p.Pro243Ala (NM_001160037.2); c.706C>G, p.Pro236Ala (NM_001374791.1); short protein forms P236A, P243A, P258A.
Identifiers: ClinVar variation 1707783 (VCV001707783.4), dbSNP rs770545947, ClinGen allele CA4672510.

ClinVar aggregate classification (germline): Uncertain significance. Review status: criteria provided, multiple submitters, no conflicts (2 of 4 stars). 2 submissions from 2 submitters: Uncertain significance (2). Last evaluated 2025-06-14.

gnomAD v4.1: 1 of 1,612,386 alleles (0.000062%); highest among the groups gnomAD compares: Non-Finnish European, 0.000085%; no homozygotes.

Submissions (2):

Dasa
Classification: Uncertain significance. Last evaluated: 2025-06-14. Review status: criteria provided, single submitter. Criteria: DASA Assertion Criteria. Collection method: clinical testing. Allele origin: germline.
Comment: NM_015178.3(RHOBTB2):c.706C>G (p.Pro236Ala) is a missense variant that results in the substitution of proline with alanine. This variant is rare in population databases. Computational prediction algorithms are consistent with a benign effect. The currently available literature and clinical evidence are not sufficient to establish a definitive association between this variant and the reported condition. Therefore, this variant is classified as a variant of uncertain significance.

GeneDx
Classification: Uncertain significance. Last evaluated: 2022-03-28. Review status: criteria provided, single submitter. Criteria: GeneDx Variant Classification Process June 2021. Collection method: clinical testing. Allele origin: germline. Affected: yes.
Comment: In silico analysis supports that this missense variant has a deleterious effect on protein structure/function; Has not been previously published as pathogenic or benign to our knowledge